The following is an entry in ClinVar:

ClinVar aggregate classification (germline): Pathogenic/Likely pathogenic. Review status: criteria provided, multiple submitters, no conflicts (2 of 4 stars). 2 submissions from 2 submitters: Pathogenic (1); Likely pathogenic (1). Last evaluated 2024-06-09.

Conditions:
Oculocutaneous albinism type 1A (OCA1A). Also called: Albinism, oculocutaneous, type IA. Identifiers: Orphanet 352731, Orphanet 79431, MedGen C4551504, MONDO:0008745, OMIM 203100. Disease mechanism: loss of function.
Oculocutaneous albinism type 1B (OCA1B). Also called: ALBINISM, OCULOCUTANEOUS, TYPE IB; ALBINISM, YELLOW MUTANT TYPE; YELLOW ALBINISM. Identifiers: Orphanet 352731, Orphanet 352737, Orphanet 79434, MedGen C1847024, MONDO:0011749, OMIM 606952.
SKIN/HAIR/EYE PIGMENTATION 3, LIGHT/DARK SKIN (SHEP3). Also called: EYE COLOR 1; EYE COLOR, GREEN/BLUE; SKIN/HAIR/EYE PIGMENTATION, VARIATION IN, 3; SKIN/HAIR/EYE PIGMENTATION 3, BLUE/GREEN EYE COLOR; SKIN/HAIR/EYE PIGMENTATION 3, FRECKLING. Identifiers: MedGen C2677190, OMIM 601800.

Allele frequency attached by ClinVar (database versions not stated): gnomAD exomes below 0.00001.
gnomAD v4.1: 1 of 1,614,148 alleles (0.000062%); highest among the groups gnomAD compares: East Asian, 0.0022%; no homozygotes.

Submissions (2):

Labcorp Genetics (formerly Invitae), Labcorp
Classification: Pathogenic. Last evaluated: 2024-06-09. Review status: criteria provided, single submitter. Criteria: Invitae Variant Classification Sherloc (09022015). Collection method: clinical testing. Allele origin: germline.
Comment: This sequence change replaces proline, which is neutral and non-polar, with histidine, which is basic and polar, at codon 152 of the TYR protein (p.Pro152His). This variant is present in population databases (no rsID available, gnomAD 0.006%). This missense change has been observed in individual(s) with oculocuatenous albinism (PMID: 26165494, 26274329, 34838614). In at least one individual the data is consistent with being in trans (on the opposite chromosome) from a pathogenic variant. ClinVar contains an entry for this variant (Variation ID: 2137226). Advanced modeling of protein sequence and biophysical properties (such as structural, functional, and spatial information, amino acid conservation, physicochemical variation, residue mobility, and thermodynamic stability) performed at Invitae indicates that this missense variant is not expected to disrupt TYR protein function with a negative predictive value of 80%. For these reasons, this variant has been classified as Pathogenic.

Juno Genomics, Hangzhou Juno Genomics, Inc
Classification: Likely pathogenic for SKIN/HAIR/EYE PIGMENTATION 3, LIGHT/DARK SKIN; Oculocutaneous albinism type 1A; Oculocutaneous albinism type 1B. Review status: criteria provided, single submitter. Criteria: ACMG Guidelines, 2015. Collection method: clinical testing. Allele origin: germline.
Comment: Absent from controls (or at extremely low frequency if recessive) in Genome Aggregation Database.;For recessive disorders, detected in trans with a pathogenic variant.;Patient's phenotype or family history is highly specific for a disease with a single genetic etiology.

Literature cited by the submitters: PubMed 26165494 (cited by Labcorp Genetics (formerly Invitae), Labcorp); PubMed 26274329 (cited by Labcorp Genetics (formerly Invitae), Labcorp); PubMed 34838614 (cited by Labcorp Genetics (formerly Invitae), Labcorp).

NM_000372.5(TYR):c.455C>A (p.Pro152His)

Gene: TYR (tyrosinase; plus strand). Cytogenetic location: 11q14.3.
Variant type: single nucleotide variant.
Coding change: c.455C>A on transcript NM_000372.5 (MANE Select); coding-DNA position 455, C replaced by A.
Protein change: p.Pro152His; replaces proline 152 with histidine.
Molecular consequence: missense variant.
Genome position (GRCh38, 1-based): chr11:89,178,408, C>A. VCF-style: chr11-89178408-C-A. GRCh37 (hg19) VCF-style: chr11-88911576-C-A.
Other names: short protein forms P152H.
Identifiers: ClinVar variation 2137226 (VCV002137226.6), dbSNP rs1464062644, ClinGen allele CA382034437.